The following is an entry in ClinVar:

NM_001372044.2(SHANK3):c.1962C>G (p.His654Gln)

Genes: SHANK3 (SH3 and multiple ankyrin repeat domains 3; plus strand), LOC126863188 (CDK7 strongly-dependent group 2 enhancer GRCh37_chr22:51142004-51143203; plus strand). Cytogenetic location: 22q13.33.
Variant type: single nucleotide variant.
Coding change: c.1962C>G on transcript NM_001372044.2 (MANE Select); coding-DNA position 1962, C replaced by G.
Protein change: p.His654Gln; replaces histidine 654 with glutamine.
Molecular consequence: missense variant.
Genome position (GRCh38, 1-based): chr22:50,704,214, C>G. VCF-style: chr22-50704214-C-G. GRCh37 (hg19) VCF-style: chr22-51142642-C-G.
Other names: c.1737C>G (NM_033517.1); short protein forms H654Q.
Identifiers: ClinVar variation 1327803 (VCV001327803.6), dbSNP rs201986012, ClinGen allele CA10325631.

ClinVar aggregate classification (germline): Uncertain significance. Review status: criteria provided, multiple submitters, no conflicts (2 of 4 stars). 2 submissions from 2 submitters: Uncertain significance (2). Last evaluated 2025-07-11.

Conditions:
Inborn genetic diseases. Identifiers: MedGen C0950123, MeSH D030342.

Allele frequency attached by ClinVar (database versions not stated): 1000 Genomes Project 30x 0.00031.

Submissions (2):

GeneDx
Classification: Uncertain significance. Last evaluated: 2025-07-11. Review status: criteria provided, single submitter. Criteria: GeneDx Variant Classification Process June 2021. Collection method: clinical testing. Allele origin: germline. Affected: yes.
Comment: In silico analysis supports that this missense variant has a deleterious effect on protein structure/function; Has not been previously published as pathogenic or benign to our knowledge; This variant is associated with the following publications: (PMID: 32519210)

Ambry Genetics
Classification: Uncertain significance for Inborn genetic diseases. Last evaluated: 2020-02-18. Review status: criteria provided, single submitter. Criteria: Ambry Variant Classification Scheme 2023. Collection method: clinical testing. Allele origin: germline.
Comment: The p.H579Q variant (also known as c.1737C>G), located in coding exon 14 of the SHANK3 gene, results from a C to G substitution at nucleotide position 1737. The histidine at codon 579 is replaced by glutamine, an amino acid with highly similar properties. This amino acid position is not well conserved in available vertebrate species, and glutamine is the reference amino acid in other vertebrate species. Since supporting evidence is limited at this time, the clinical significance of this alteration remains unclear.